The following is an entry in ClinVar:

ClinVar aggregate classification (germline): Uncertain significance (1 of 4 stars; one submission).

Conditions:
Epileptic encephalopathy. Identifiers: MedGen C0543888, HP:0200134.

Allele frequency attached by ClinVar (database versions not stated): gnomAD exomes below 0.00001 and 0.00002; TOPMed below 0.00001; gnomAD 0.00001.

Submission:

Labcorp Genetics (formerly Invitae), Labcorp
Classification: Uncertain significance for Epileptic encephalopathy. Last evaluated: 2022-10-28. Review status: criteria provided, single submitter. Criteria: Invitae Variant Classification Sherloc (09022015). Collection method: clinical testing. Allele origin: germline.
Comment: In summary, the available evidence is currently insufficient to determine the role of this variant in disease. Therefore, it has been classified as a Variant of Uncertain Significance. Algorithms developed to predict the effect of missense changes on protein structure and function output the following: SIFT: "Tolerated"; PolyPhen-2: "Benign"; Align-GVGD: "Class C0". The alanine amino acid residue is found in multiple mammalian species, which suggests that this missense change does not adversely affect protein function. ClinVar contains an entry for this variant (Variation ID: 1385372). This variant has not been reported in the literature in individuals affected with FASN-related conditions. This variant is present in population databases (no rsID available, gnomAD 0.0009%). This sequence change replaces valine, which is neutral and non-polar, with alanine, which is neutral and non-polar, at codon 1457 of the FASN protein (p.Val1457Ala).

NM_004104.5(FASN):c.4370T>C (p.Val1457Ala)

Gene: FASN (fatty acid synthase; minus strand). Cytogenetic location: 17q25.3.
Variant type: single nucleotide variant.
Coding change: c.4370T>C on transcript NM_004104.5 (MANE Select); coding-DNA position 4370, T replaced by C.
Protein change: p.Val1457Ala; replaces valine 1457 with alanine.
Molecular consequence: missense variant.
Genome position (GRCh38, 1-based): chr17:82,085,074, A>G on the plus strand (T>C on the coding strand, the complement: FASN is on the minus strand). VCF-style: chr17-82085074-A-G. GRCh37 (hg19) VCF-style: chr17-80042950-A-G.
Other names: short protein forms V1457A.
Identifiers: ClinVar variation 1385372 (VCV001385372.8), dbSNP rs1022318126, ClinGen allele CA295129701.